The following is an entry in ClinVar:

NM_000038.6(APC):c.4386G>A (p.Lys1462=)

Gene: APC (APC regulator of Wnt signaling pathway; plus strand). Cytogenetic location: 5q22.2.
Variant type: single nucleotide variant.
Coding change: c.4386G>A on transcript NM_000038.6 (MANE Select); coding-DNA position 4386, G replaced by A.
Protein change: p.Lys1462=; no amino-acid change (lysine 1462 retained).
Molecular consequence: synonymous variant.
Genome position (GRCh38, 1-based): chr5:112,839,980, G>A. VCF-style: chr5-112839980-G-A. GRCh37 (hg19) VCF-style: chr5-112175677-G-A.
Other names: c.4386G>A, p.Lys1462= (NM_001127510.3, NM_001354895.2); c.4332G>A, p.Lys1444= (NM_001127511.3); c.4440G>A, p.Lys1480= (NM_001354896.2); c.4416G>A, p.Lys1472= (NM_001354897.2); c.4311G>A, p.Lys1437= (NM_001354898.2); c.4302G>A, p.Lys1434= (NM_001354899.2); c.4263G>A, p.Lys1421= (NM_001354900.2); c.4209G>A, p.Lys1403= (NM_001354901.2); and 5 more.
Identifiers: ClinVar variation 385296 (VCV000385296.18), dbSNP rs1057522179, ClinGen allele CA16604773.

ClinVar aggregate classification (germline): Benign/Likely benign. Review status: criteria provided, multiple submitters, no conflicts (2 of 4 stars). 5 submissions from 5 submitters: Benign (1); Likely benign (4). Last evaluated 2025-06-30.

Conditions:
Hereditary cancer-predisposing syndrome. Also called: Hereditary Cancer Syndrome; Hereditary neoplastic syndrome; Neoplastic Syndromes, Hereditary; Tumor predisposition. Identifiers: Orphanet 140162, MedGen C0027672, MeSH D009386, MONDO:0015356.
Familial adenomatous polyposis 1 (FAP1). Also called: FAMILIAL ADENOMATOUS POLYPOSIS 1, ATTENUATED; POLYPOSIS, ADENOMATOUS INTESTINAL. Identifiers: MedGen C2713442, MONDO:0021056, OMIM 175100. Disease mechanism: loss of function.

Submissions (5):

Color Diagnostics, LLC DBA Color Health
Classification: Likely benign for Hereditary cancer-predisposing syndrome. Last evaluated: 2025-06-30. Review status: criteria provided, single submitter. Criteria: ACMG Guidelines, 2015. Collection method: clinical testing. Allele origin: germline.

Labcorp Genetics (formerly Invitae), Labcorp
Classification: Likely benign for Familial adenomatous polyposis 1. Last evaluated: 2025-04-13. Review status: criteria provided, single submitter. Criteria: Invitae Variant Classification Sherloc (09022015). Collection method: clinical testing. Allele origin: germline.

Myriad Genetics, Inc.
Classification: Benign for Familial adenomatous polyposis 1. Last evaluated: 2024-03-26. Review status: criteria provided, single submitter. Criteria: Myriad Autosomal Dominant, Autosomal Recessive and X-Linked Classification Criteria (2023). Collection method: clinical testing. Allele origin: unknown.
Comment: This variant is considered benign. This variant is a silent/synonymous amino acid change and it is not expected to impact splicing.

Ambry Genetics
Classification: Likely benign for Hereditary cancer-predisposing syndrome. Last evaluated: 2022-02-02. Review status: criteria provided, single submitter. Criteria: Ambry Variant Classification Scheme 2023. Collection method: clinical testing. Allele origin: germline.

GeneDx
Classification: Likely benign. Last evaluated: 2016-04-07. Review status: criteria provided, single submitter. Criteria: GeneDx Variant Classification (06012015). Collection method: clinical testing. Allele origin: germline. Affected: yes.
Comment: This variant is considered likely benign or benign based on one or more of the following criteria: it is a conservative change, it occurs at a poorly conserved position in the protein, it is predicted to be benign by multiple in silico algorithms, and/or has population frequency not consistent with disease.